The following is an entry in ClinVar:

NM_000136.3(FANCC):c.392T>C (p.Val131Ala)

Gene: FANCC (FA complementation group C; minus strand). Cytogenetic location: 9q22.32.
Variant type: single nucleotide variant.
Coding change: c.392T>C on transcript NM_000136.3 (MANE Select); coding-DNA position 392, T replaced by C.
Protein change: p.Val131Ala; replaces valine 131 with alanine.
Molecular consequence: missense variant.
Genome position (GRCh38, 1-based): chr9:95,172,101, A>G on the plus strand (T>C on the coding strand, the complement: FANCC is on the minus strand). VCF-style: chr9-95172101-A-G. GRCh37 (hg19) VCF-style: chr9-97934383-A-G.
Other names: c.392T>C, p.Val131Ala (NM_001243743.2, NM_001243744.2); short protein forms V131A.
Identifiers: ClinVar variation 824396 (VCV000824396.4), dbSNP rs201621236, ClinGen allele CA196886551.

ClinVar aggregate classification (germline): Uncertain significance (1 of 4 stars; one submission).

Conditions:
Hereditary cancer-predisposing syndrome. Also called: Neoplastic Syndromes, Hereditary; Tumor predisposition; Hereditary neoplastic syndrome; Hereditary Cancer Syndrome. Identifiers: Orphanet 140162, MedGen C0027672, MeSH D009386, MONDO:0015356.

Submission:

Ambry Genetics
Classification: Uncertain significance for Hereditary cancer-predisposing syndrome. Last evaluated: 2018-09-01. Review status: criteria provided, single submitter. Criteria: Ambry Variant Classification Scheme 2023. Collection method: clinical testing. Allele origin: germline.
Comment: The p.V131A variant (also known as c.392T>C), located in coding exon 4 of the FANCC gene, results from a T to C substitution at nucleotide position 392. The valine at codon 131 is replaced by alanine, an amino acid with similar properties. This amino acid position is well conserved in available vertebrate species. In addition, this alteration is predicted to be tolerated by in silico analysis. Since supporting evidence is limited at this time, the clinical significance of this alteration remains unclear.